The following is an entry in ClinVar:

NM_001408.3(CELSR2):c.2532T>C (p.Ser844=)

Gene: CELSR2 (cadherin EGF LAG seven-pass G-type receptor 2; plus strand). Cytogenetic location: 1p13.3.
Variant type: single nucleotide variant.
Coding change: c.2532T>C on transcript NM_001408.3 (MANE Select); coding-DNA position 2532, T replaced by C.
Protein change: p.Ser844=; no amino-acid change (serine 844 retained).
Molecular consequence: synonymous variant.
Genome position (GRCh38, 1-based): chr1:109,252,611, T>C. VCF-style: chr1-109252611-T-C. GRCh37 (hg19) VCF-style: chr1-109795233-T-C.
Identifiers: ClinVar variation 732909 (VCV000732909.11), dbSNP rs151136134, ClinGen allele CA986772.

ClinVar aggregate classification (germline): Benign. Review status: criteria provided, single submitter (1 of 4 stars). 2 submissions from 2 submitters: Benign (1). 1 of the submissions does not count toward it. Last evaluated 2025-05-17.

Conditions:
CELSR2-related disorder. Also called: CELSR2-related condition.

Allele frequency attached by ClinVar (database versions not stated): gnomAD exomes 0.00030 and 0.00093; ExAC 0.00116; gnomAD 0.00330 and 0.00344; ESP Exome Variant Server 0.00377; TOPMed 0.00395; 1000 Genomes Project 0.00519; 1000 Genomes Project 30x 0.00578.
gnomAD v4.1: 971 of 1,613,928 alleles (0.06%); highest among the groups gnomAD compares: African/African-American, 1.1%; 7 homozygotes.

Submissions (2):

Labcorp Genetics (formerly Invitae), Labcorp
Classification: Benign. Last evaluated: 2025-05-17. Review status: criteria provided, single submitter. Criteria: Invitae Variant Classification Sherloc (09022015). Collection method: clinical testing. Allele origin: germline.

PreventionGenetics, part of Exact Sciences
Classification: Benign for CELSR2-related condition. Last evaluated: 2019-02-20. Review status: no assertion criteria provided. Collection method: clinical testing. Allele origin: germline. Not counted in ClinVar's aggregate classification.
Comment: This variant is classified as benign based on ACMG/AMP sequence variant interpretation guidelines (Richards et al. 2015 PMID: 25741868, with internal and published modifications).